The following is an entry in ClinVar:

ClinVar aggregate classification (germline): Uncertain significance (1 of 4 stars; one submission).

gnomAD v4.1: 1 of 1,613,310 alleles (0.000062%); no homozygotes.

Submission:

Labcorp Genetics (formerly Invitae), Labcorp
Classification: Uncertain significance. Last evaluated: 2021-12-22. Review status: criteria provided, single submitter. Criteria: Invitae Variant Classification Sherloc (09022015). Collection method: clinical testing. Allele origin: germline.
Comment: This sequence change replaces proline, which is neutral and non-polar, with serine, which is neutral and polar, at codon 3251 of the PCNT protein (p.Pro3251Ser). This variant is not present in population databases (gnomAD no frequency). This variant has not been reported in the literature in individuals affected with PCNT-related conditions. Algorithms developed to predict the effect of missense changes on protein structure and function are either unavailable or do not agree on the potential impact of this missense change (SIFT: "Deleterious"; PolyPhen-2: "Possibly Damaging"; Align-GVGD: "Class C0"). In summary, the available evidence is currently insufficient to determine the role of this variant in disease. Therefore, it has been classified as a Variant of Uncertain Significance.

NM_006031.6(PCNT):c.9751C>T (p.Pro3251Ser)

Gene: PCNT (pericentrin; plus strand). Cytogenetic location: 21q22.3.
Variant type: single nucleotide variant.
Coding change: c.9751C>T on transcript NM_006031.6 (MANE Select); coding-DNA position 9751, C replaced by T.
Protein change: p.Pro3251Ser; replaces proline 3251 with serine.
Molecular consequence: missense variant.
Genome position (GRCh38, 1-based): chr21:46,443,860, C>T. VCF-style: chr21-46443860-C-T. GRCh37 (hg19) VCF-style: chr21-47863773-C-T.
Other names: c.9160C>T, p.Pro3054Ser (NM_001315529.2); short protein forms P3054S, P3251S.
Identifiers: ClinVar variation 1377423 (VCV001377423.3), dbSNP rs201526605, ClinGen allele CA322029677.
Genomic context (GRCh38, chr21:46,443,860, plus strand): 5'-TCTGGGGAAGGGCCCCGAGCACGACAGCCGCAGTCTCCACCCAGAACCAGAGAGTCCCCC[C>T]CAACCCGGGATGTACCCTCTGGCCACACCAGGGACCCTGCCAGAGGCCGCAGACTGGCAG-3'
Protein context (NP_006022.3, residues 3241-3261): QSPPRTRESP[Pro3251Ser]TRDVPSGHTR